The following is an entry in ClinVar:

ClinVar aggregate classification (germline): Uncertain significance (1 of 4 stars; one submission).

gnomAD v4.1: 56 of 1,613,934 alleles (0.0035%); highest among the groups gnomAD compares: South Asian, 0.0055%; no homozygotes.

Submission:

Women's Health and Genetics/Laboratory Corporation of America, LabCorp
Classification: Uncertain significance. Last evaluated: 2025-01-29. Review status: criteria provided, single submitter. Criteria: LabCorp Variant Classification Summary - May 2015. Collection method: clinical testing. Allele origin: germline.
Comment: Variant summary: TPO c.1805G>A (p.Arg602His) results in a non-conservative amino acid change located in the Animal heme peroxidase superfamily profile (IPR019791) of the encoded protein sequence. Three of five in-silico tools predict a damaging effect of the variant on protein function. The variant allele was found at a frequency of 2e-05 in 251076 control chromosomes. The available data on variant occurrences in the general population are insufficient to allow any conclusion about variant significance. To our knowledge, no occurrence of c.1805G>A in individuals affected with Deficiency Of Iodide Peroxidase and no experimental evidence demonstrating its impact on protein function have been reported. No submitters have cited clinical-significance assessments for this variant to ClinVar. Based on the evidence outlined above, the variant was classified as uncertain significance.

NM_001206744.2(TPO):c.1805G>A (p.Arg602His)

Genes: LALTOP (lung cancer associated lncRNA targeting TOP2A; minus strand), TPO (thyroid peroxidase; plus strand). Cytogenetic location: 2p25.3.
Variant type: single nucleotide variant.
Coding change: c.1805G>A on transcript NM_001206744.2 (MANE Select); coding-DNA position 1805, G replaced by A.
Protein change: p.Arg602His; replaces arginine 602 with histidine.
Molecular consequence: missense variant.
Genome position (GRCh38, 1-based): chr2:1,493,838, G>A. VCF-style: chr2-1493838-G-A. GRCh37 (hg19) VCF-style: chr2-1497610-G-A.
Other names: c.1805G>A, p.Arg602His (NM_175721.3, NM_000547.6); c.1286G>A, p.Arg429His (NM_175722.3); c.1634G>A, p.Arg545His (NM_175719.4, NM_001206745.2); short protein forms R429H, R545H, R602H.
Identifiers: ClinVar variation 3769213 (VCV003769213.2).